The following is an entry in ClinVar:

ClinVar aggregate classification (germline): Uncertain significance. Review status: criteria provided, multiple submitters, no conflicts (2 of 4 stars). 2 submissions from 2 submitters: Uncertain significance (2). Last evaluated 2023-11-02.

Conditions:
Familial adenomatous polyposis 2. Also called: MUTYH-associated polyposis; MUTYH-related attenuated familial adenomatous polyposis; COLORECTAL ADENOMATOUS POLYPOSIS, AUTOSOMAL RECESSIVE; ADENOMAS, MULTIPLE COLORECTAL, AUTOSOMAL RECESSIVE; MUTYH Polyposis; MYH-associated polyposis. Identifiers: Orphanet 220460, Orphanet 247798, MedGen C3272841, MONDO:0012041, OMIM 608456.

Submissions (2):

All of Us Research Program, National Institutes of Health
Classification: Uncertain significance for Familial adenomatous polyposis 2. Last evaluated: 2023-11-02. Review status: criteria provided, single submitter. Criteria: ACMG Guidelines, 2015. Collection method: clinical testing. Allele origin: germline. Inheritance: Autosomal recessive inheritance. Observed: 1 variant allele, 1 heterozygote.
Comment: This variant causes a C to A nucleotide substitution at the +4 position of intron 1/15 of the MUTYH gene. To our knowledge, functional studies have not been reported for this variant. This variant has not been reported in individuals affected with MUTYH-related disorders in the literature. This variant has not been identified in the general population by the Genome Aggregation Database (gnomAD). The available evidence is insufficient to determine the role of this variant in disease conclusively. Therefore, this variant is classified as a Variant of Uncertain Significance.

This study involves interpretation of variants in research participants for the purpose of population health screening. Participant phenotype was not available at the time of variant classification. Additional details can be found in publication PMID: 35346344, PMCID: PMC8962531

Labcorp Genetics (formerly Invitae), Labcorp
Classification: Uncertain significance for Familial adenomatous polyposis 2. Last evaluated: 2022-05-24. Review status: criteria provided, single submitter. Criteria: Invitae Variant Classification Sherloc (09022015). Collection method: clinical testing. Allele origin: germline.
Comment: In summary, the available evidence is currently insufficient to determine the role of this variant in disease. Therefore, it has been classified as a Variant of Uncertain Significance. Variants that disrupt the consensus splice site are a relatively common cause of aberrant splicing (PMID: 17576681, 9536098). Algorithms developed to predict the effect of sequence changes on RNA splicing suggest that this variant is not likely to affect RNA splicing. This variant has not been reported in the literature in individuals affected with MUTYH-related conditions. This variant is not present in population databases (gnomAD no frequency). This sequence change falls in intron 1 of the MUTYH gene. It does not directly change the encoded amino acid sequence of the MUTYH protein. It affects a nucleotide within the consensus splice site.

Literature cited by the submitters: PubMed 17576681 (cited by Labcorp Genetics (formerly Invitae), Labcorp); PubMed 9536098 (cited by Labcorp Genetics (formerly Invitae), Labcorp).

NM_001128425.2(MUTYH):c.36+4C>A

Genes: MUTYH (mutY DNA glycosylase; minus strand), TOE1 (target of EGR1, exonuclease; plus strand). Cytogenetic location: 1p34.1.
Variant type: single nucleotide variant.
Coding change: c.36+4C>A on transcript NM_001128425.2 (MANE Plus Clinical); 4 bases into the intron after coding-DNA position 36, C replaced by A.
Molecular consequence: intron variant. On other transcripts: 5 prime UTR variant (3).
Genome position (GRCh38, 1-based): chr1:45,340,215, G>T on the plus strand (C>A on the coding strand, the complement: MUTYH is on the minus strand). VCF-style: chr1-45340215-G-T. GRCh37 (hg19) VCF-style: chr1-45805887-G-T.
Other names: c.-38G>T (NM_025077.4); c.-19C>A (NM_001407070.1, NM_001407071.1); c.-7+8C>A (NM_001407072.1); c.-214+4C>A (NM_001350651.2); c.-219+4C>A (NM_001293192.2); c.-278+4C>A (NM_001350650.2); c.36+4C>A (NM_001407073.1, NM_001293190.2, NM_001407069.1 and 1 more transcripts); c.-7+4C>A (NM_001048171.2).
Identifiers: ClinVar variation 1960554 (VCV001960554.6), dbSNP rs774530388, ClinGen allele CA2580062953.